The following is an entry in ClinVar:

NM_004415.4(DSP):c.526A>G (p.Ser176Gly)

Gene: DSP (desmoplakin; plus strand). Cytogenetic location: 6p24.3.
Variant type: single nucleotide variant.
Coding change: c.526A>G on transcript NM_004415.4 (MANE Select); coding-DNA position 526, A replaced by G.
Protein change: p.Ser176Gly; replaces serine 176 with glycine.
Molecular consequence: missense variant.
Genome position (GRCh38, 1-based): chr6:7,559,329, A>G. VCF-style: chr6-7559329-A-G. GRCh37 (hg19) VCF-style: chr6-7559562-A-G.
Other names: c.526A>G, p.Ser176Gly (NM_001008844.3, NM_001319034.2); short protein forms S176G.
Identifiers: ClinVar variation 860184 (VCV000860184.11), dbSNP rs1426245453, ClinGen allele CA362672555.

ClinVar aggregate classification (germline): Uncertain significance. Review status: criteria provided, multiple submitters, no conflicts (2 of 4 stars). 2 submissions from 2 submitters: Uncertain significance (2). Last evaluated 2024-11-18.

Conditions:
Arrhythmogenic cardiomyopathy with wooly hair and keratoderma. Also called: Carvajal syndrome; PALMOPLANTAR KERATODERMA WITH LEFT VENTRICULAR CARDIOMYOPATHY AND WOOLLY HAIR; Dilated cardiomyopathy with woolly hair and keratoderma; Arrhythmogenic cardiomyopathy with woolly hair and keratoderma. Identifiers: Orphanet 65282, MedGen C1854063, MONDO:0011581, OMIM 605676.
Cardiomyopathy, dilated, with wooly hair, keratoderma, and tooth agenesis. Also called: Erythrokeratodermia-cardiomyopathy syndrome; Cardiomyopathy, dilated, with woolly hair, keratoderma, and tooth agenesis. Identifiers: Orphanet 476096, Orphanet 65282, MedGen C4014393, MONDO:0014355, OMIM 615821.
Lethal acantholytic epidermolysis bullosa (EBLA). Identifiers: Orphanet 158687, MedGen C1864826, MONDO:0012323, OMIM 609638.
Woolly hair-skin fragility syndrome (WHSF). Identifiers: Orphanet 293165, MedGen C1843292, MONDO:0957307, OMIM 620415.
Keratosis palmoplantaris striata 2. Also called: Keratosis palmoplantaris striata II; KERATODERMA, PALMOPLANTAR, STRIATE FORM II; STRIATE PALMOPLANTAR KERATODERMA II. Identifiers: MedGen C1852127, MONDO:0013034, OMIM 612908.
Arrhythmogenic right ventricular dysplasia 8 (ARVD8). Also called: ARRHYTHMOGENIC RIGHT VENTRICULAR DYSPLASIA, FAMILIAL, 8; Arrhythmogenic Right Ventricular Dysplasia/Cardiomyopathy 8; ARRHYTHMOGENIC RIGHT VENTRICULAR CARDIOMYOPATHY 8. Identifiers: MedGen C1843896, MONDO:0011831, OMIM 607450.

Allele frequency attached by ClinVar (database versions not stated): TOPMed 0.00002.

Submissions (2):

Labcorp Genetics (formerly Invitae), Labcorp
Classification: Uncertain significance for Arrhythmogenic cardiomyopathy with wooly hair and keratoderma; Arrhythmogenic right ventricular dysplasia 8. Last evaluated: 2024-11-18. Review status: criteria provided, single submitter. Criteria: Invitae Variant Classification Sherloc (09022015). Collection method: clinical testing. Allele origin: germline.
Comment: This sequence change replaces serine, which is neutral and polar, with glycine, which is neutral and non-polar, at codon 176 of the DSP protein (p.Ser176Gly). This variant is not present in population databases (gnomAD no frequency). This variant has not been reported in the literature in individuals affected with DSP-related conditions. ClinVar contains an entry for this variant (Variation ID: 860184). An algorithm developed to predict the effect of missense changes on protein structure and function (PolyPhen-2) suggests that this variant is likely to be disruptive. Algorithms developed to predict the effect of sequence changes on RNA splicing suggest that this variant may disrupt the consensus splice site. In summary, the available evidence is currently insufficient to determine the role of this variant in disease. Therefore, it has been classified as a Variant of Uncertain Significance.

Fulgent Genetics
Classification: Uncertain significance for Arrhythmogenic cardiomyopathy with wooly hair and keratoderma; Arrhythmogenic right ventricular dysplasia 8; Lethal acantholytic epidermolysis bullosa; Keratosis palmoplantaris striata 2; Cardiomyopathy, dilated, with wooly hair, keratoderma, and tooth agenesis. Last evaluated: 2021-08-23. Review status: criteria provided, single submitter. Criteria: ACMG Guidelines, 2015. Collection method: clinical testing. Allele origin: unknown.